The following is an entry in ClinVar:

NM_001287491.2(TET3):c.2549C>T (p.Pro850Leu)

Gene: TET3 (tet methylcytosine dioxygenase 3; plus strand). Cytogenetic location: 2p13.1.
Variant type: single nucleotide variant.
Coding change: c.2549C>T on transcript NM_001287491.2 (MANE Select); coding-DNA position 2549, C replaced by T.
Protein change: p.Pro850Leu; replaces proline 850 with leucine.
Molecular consequence: missense variant.
Genome position (GRCh38, 1-based): chr2:74,073,603, C>T. VCF-style: chr2-74073603-C-T. GRCh37 (hg19) VCF-style: chr2-74300730-C-T.
Other names: c.2270C>T, p.Pro757Leu (NM_001366022.1); short protein forms P757L, P850L.
Identifiers: ClinVar variation 1327766 (VCV001327766.2), dbSNP rs2103939816, ClinGen allele CA347308265.

ClinVar aggregate classification (germline): Uncertain significance (1 of 4 stars; one submission).

Submission:

GeneDx
Classification: Uncertain significance. Last evaluated: 2021-06-07. Review status: criteria provided, single submitter. Criteria: GeneDx Variant Classification Process June 2021. Collection method: clinical testing. Allele origin: germline. Affected: yes.
Comment: Not observed at significant frequency in large population cohorts (Lek et al., 2016); In silico analysis supports that this missense variant has a deleterious effect on protein structure/function; Has not been previously published as pathogenic or benign to our knowledge; This variant is associated with the following publications: (PMID: 27535533)